The following is an entry in ClinVar:

NM_002292.4(LAMB2):c.1352A>G (p.Gln451Arg)

Gene: LAMB2 (laminin subunit beta 2; minus strand). Cytogenetic location: 3p21.31.
Variant type: single nucleotide variant.
Coding change: c.1352A>G on transcript NM_002292.4 (MANE Select); coding-DNA position 1352, A replaced by G.
Protein change: p.Gln451Arg; replaces glutamine 451 with arginine.
Molecular consequence: missense variant.
Genome position (GRCh38, 1-based): chr3:49,129,892, T>C on the plus strand (A>G on the coding strand, the complement: LAMB2 is on the minus strand). VCF-style: chr3-49129892-T-C. GRCh37 (hg19) VCF-style: chr3-49167325-T-C.
Other names: short protein forms Q451R.
Identifiers: ClinVar variation 649137 (VCV000649137.6), dbSNP rs1575535913, ClinGen allele CA352740901.

ClinVar aggregate classification (germline): Uncertain significance (1 of 4 stars; one submission).

Conditions:
Pierson syndrome. Also called: MICROCORIA-CONGENITAL NEPHROTIC SYNDROME. Identifiers: Orphanet 2670, MedGen C1836876, MONDO:0012184, OMIM 609049.
LAMB2-related infantile-onset nephrotic syndrome. Also called: Nephrotic Syndrome, type 5; NEPHROTIC SYNDROME, TYPE 5, WITHOUT OCULAR ABNORMALITIES; NEPHROTIC SYNDROME, TYPE 5, WITH OCULAR ABNORMALITIES. Identifiers: Orphanet 306507, MedGen C3280113, MONDO:0013621, OMIM 614199.

Allele frequency attached by ClinVar (database versions not stated): gnomAD exomes below 0.00001.
gnomAD v4.1: 1 of 1,613,994 alleles (0.000062%); highest among the groups gnomAD compares: Admixed American, 0.0017%; no homozygotes.

Submission:

Labcorp Genetics (formerly Invitae), Labcorp
Classification: Uncertain significance for LAMB2-related infantile-onset nephrotic syndrome; Pierson syndrome. Last evaluated: 2018-12-12. Review status: criteria provided, single submitter. Criteria: Invitae Variant Classification Sherloc (09022015). Collection method: clinical testing. Allele origin: germline.
Comment: This sequence change replaces glutamine with arginine at codon 451 of the LAMB2 protein (p.Gln451Arg). The glutamine residue is moderately conserved and there is a small physicochemical difference between glutamine and arginine. In summary, the available evidence is currently insufficient to determine the role of this variant in disease. Therefore, it has been classified as a Variant of Uncertain Significance. Algorithms developed to predict the effect of missense changes on protein structure and function output the following: SIFT: "Tolerated"; PolyPhen-2: "Benign"; Align-GVGD: "Class C0". The arginine amino acid residue is found in multiple mammalian species, suggesting that this missense change does not adversely affect protein function. These predictions have not been confirmed by published functional studies and their clinical significance is uncertain. This variant has not been reported in the literature in individuals with LAMB2-related conditions. This variant is not present in population databases (ExAC no frequency).